The following is an entry in ClinVar:

ClinVar aggregate classification (germline): Conflicting classifications of pathogenicity. Review status: criteria provided, conflicting classifications (1 of 4 stars). 2 submissions from 2 submitters: Uncertain significance (1); Benign (1). Last evaluated 2025-06-23.

Conditions:
Bethlem myopathy 1A. Also called: Bethlem myopathy 1; MYOPATHY, BENIGN CONGENITAL, WITH CONTRACTURES; Bethlem Muscular Dystrophy. Identifiers: Orphanet 610, MedGen CN029274, MONDO:0024530, OMIM 158810.

Allele frequency attached by ClinVar (database versions not stated): TOPMed 0.00003.
gnomAD v4.1: 5 of 1,611,530 alleles (0.00031%); highest among the groups gnomAD compares: African/African-American, 0.0053%; no homozygotes.

Submissions (2):

Labcorp Genetics (formerly Invitae), Labcorp
Classification: Benign for Bethlem myopathy 1A. Last evaluated: 2025-06-23. Review status: criteria provided, single submitter. Criteria: Invitae Variant Classification Sherloc (09022015). Collection method: clinical testing. Allele origin: germline.

GeneDx
Classification: Uncertain significance. Last evaluated: 2024-08-24. Review status: criteria provided, single submitter. Criteria: GeneDx Variant Classification Process June 2021. Collection method: clinical testing. Allele origin: germline. Affected: yes.
Comment: In silico analysis indicates that this missense variant does not alter protein structure/function; Has not been previously published as pathogenic or benign to our knowledge

NM_001848.3(COL6A1):c.2857G>T (p.Ala953Ser)

Gene: COL6A1 (collagen type VI alpha 1 chain; plus strand). Cytogenetic location: 21q22.3.
Variant type: single nucleotide variant.
Coding change: c.2857G>T on transcript NM_001848.3 (MANE Select); coding-DNA position 2857, G replaced by T.
Protein change: p.Ala953Ser; replaces alanine 953 with serine.
Molecular consequence: missense variant.
Genome position (GRCh38, 1-based): chr21:46,003,783, G>T. VCF-style: chr21-46003783-G-T. GRCh37 (hg19) VCF-style: chr21-47423697-G-T.
Other names: short protein forms A953S.
Identifiers: ClinVar variation 567709 (VCV000567709.13), dbSNP rs150378645, ClinGen allele CA10071054.
Genomic context (GRCh38, chr21:46,003,783, plus strand): 5'-GGCGCTGCCAAGAAGAGGCTGCTGCTCTTCTCAGATGGCAACTCGCAGGGCGCCACGCCC[G>T]CTGCCATCGAGAAGGCCGTGCAGGAAGCCCAGCGGGCAGGCATCGAGATCTTCGTGGTGG-3'
Protein context (NP_001839.2, residues 943-963): SDGNSQGATP[Ala953Ser]AIEKAVQEAQ